The following is an entry in ClinVar:

ClinVar aggregate classification (germline): Likely pathogenic (1 of 4 stars; one submission).

Submission:

Labcorp Genetics (formerly Invitae), Labcorp
Classification: Likely pathogenic. Last evaluated: 2023-08-02. Review status: criteria provided, single submitter. Criteria: Invitae Variant Classification Sherloc (09022015). Collection method: clinical testing. Allele origin: unknown.
Comment: This variant results in a copy number gain of the genomic region encompassing exon(s) 8 of the DOCK8 gene. While the exact position of this variant cannot be determined from the data, sub-genic copy number gains are generally in tandem (PMID: 25640679). This variant is predicted to be out-of-frame, and may result in an absent or disrupted protein product. Loss-of-function variants in DOCK8 are known to be pathogenic (PMID: 14722525, 19776401). In summary, the currently available evidence indicates that the variant is pathogenic, but additional data are needed to prove that conclusively. Therefore, this variant has been classified as Likely Pathogenic. Experimental studies and prediction algorithms are not available or were not evaluated, and the functional significance of this variant is currently unknown. This variant has not been reported in the literature in individuals affected with DOCK8-related conditions.

Literature cited by the submitters: PubMed 25640679; PubMed 14722525; PubMed 19776401.

NC_000009.11:g.(?_325651)_(325757_?)dup

Gene: DOCK8 (dedicator of cytokinesis 8; plus strand). Cytogenetic location: 9p24.3.
Variant type: Duplication.
Identifiers: ClinVar variation 3245212 (VCV003245212.1).